The following is an entry in ClinVar:

NM_138701.4(MPLKIP):c.462A>G (p.Pro154=)

Gene: MPLKIP (M-phase specific PLK1 interacting protein; minus strand). Cytogenetic location: 7p14.1.
Variant type: single nucleotide variant.
Coding change: c.462A>G on transcript NM_138701.4 (MANE Select); coding-DNA position 462, A replaced by G.
Protein change: p.Pro154=; no amino-acid change (proline 154 retained).
Molecular consequence: synonymous variant.
Genome position (GRCh38, 1-based): chr7:40,133,137, T>C on the plus strand (A>G on the coding strand, the complement: MPLKIP is on the minus strand). VCF-style: chr7-40133137-T-C. GRCh37 (hg19) VCF-style: chr7-40172736-T-C.
Identifiers: ClinVar variation 3625346 (VCV003625346.2).
Genomic context (GRCh38, chr7:40,133,137, plus strand): 5'-TTTTTTGCCTGTGAATGTTTGAGTATTGCTGTATTGTTGGCTTATATCCACTACAGATAC[T>C]GGTTCTAGGCCAGCCCAAGGATCTTCAAGCATTGAAGGCTTGAAATAATTTTCCAACTCA-3'
Protein context (NP_619646.1, residues 144-164): MLEDPWAGLE[Pro154=]VSVVDISQQY

ClinVar aggregate classification (germline): Uncertain significance (1 of 4 stars; one submission).

gnomAD v4.1: 4 of 1,614,040 alleles (0.00025%); highest among the groups gnomAD compares: Middle Eastern, 0.017%; no homozygotes.

Submission:

Labcorp Genetics (formerly Invitae), Labcorp
Classification: Uncertain significance. Last evaluated: 2024-02-10. Review status: criteria provided, single submitter. Criteria: Invitae Variant Classification Sherloc (09022015). Collection method: clinical testing. Allele origin: germline.
Comment: This sequence change affects codon 154 of the MPLKIP mRNA. It is a 'silent' change, meaning that it does not change the encoded amino acid sequence of the MPLKIP protein. This variant is present in population databases (no rsID available, gnomAD no frequency). This variant has not been reported in the literature in individuals affected with MPLKIP-related conditions. Algorithms developed to predict the effect of sequence changes on RNA splicing suggest that this variant may create or strengthen a splice site. In summary, the available evidence is currently insufficient to determine the role of this variant in disease. Therefore, it has been classified as a Variant of Uncertain Significance.